The following is an entry in ClinVar:

ClinVar aggregate classification (germline): Uncertain significance (1 of 4 stars; one submission).

Submission:

GeneDx
Classification: Uncertain significance. Last evaluated: 2022-04-05. Review status: criteria provided, single submitter. Criteria: GeneDx Variant Classification Process June 2021. Collection method: clinical testing. Allele origin: germline. Affected: yes.
Comment: Not observed at significant frequency in large population cohorts (gnomAD); In silico analysis supports that this missense variant does not alter protein structure/function; Has not been previously published as pathogenic or benign to our knowledge

NM_032229.3(SLITRK6):c.1930G>T (p.Val644Leu)

Gene: SLITRK6 (SLIT and NTRK like family member 6; minus strand). Cytogenetic location: 13q31.1.
Variant type: single nucleotide variant.
Coding change: c.1930G>T on transcript NM_032229.3 (MANE Select); coding-DNA position 1930, G replaced by T.
Protein change: p.Val644Leu; replaces valine 644 with leucine.
Molecular consequence: missense variant.
Genome position (GRCh38, 1-based): chr13:85,794,579, C>A on the plus strand (G>T on the coding strand, the complement: SLITRK6 is on the minus strand). VCF-style: chr13-85794579-C-A. GRCh37 (hg19) VCF-style: chr13-86368714-C-A.
Other names: short protein forms V644L.
Identifiers: ClinVar variation 1708893 (VCV001708893.2), dbSNP rs374380609, ClinGen allele CA253124806.